The following is an entry in ClinVar:

NM_000512.5(GALNS):c.680T>C (p.Phe227Ser)

Gene: GALNS (galactosamine (N-acetyl)-6-sulfatase; minus strand). Cytogenetic location: 16q24.3.
Variant type: single nucleotide variant.
Coding change: c.680T>C on transcript NM_000512.5 (MANE Select); coding-DNA position 680, T replaced by C.
Protein change: p.Phe227Ser; replaces phenylalanine 227 with serine.
Molecular consequence: missense variant.
Genome position (GRCh38, 1-based): chr16:88,835,803, A>G on the plus strand (T>C on the coding strand, the complement: GALNS is on the minus strand). VCF-style: chr16-88835803-A-G. GRCh37 (hg19) VCF-style: chr16-88902211-A-G.
Other names: c.125T>C, p.Phe42Ser (NM_001323543.2); c.698T>C, p.Phe233Ser (NM_001323544.2); short protein forms F227S, F233S, F42S.
Identifiers: ClinVar variation 3769309 (VCV003769309.2).
Genomic context (GRCh38, chr16:88,835,803, plus strand): 5'-CCCAAGAAGGGTTTGGAGGCATAGACGGGTGCGTGCGTGGCGTCGACAGCCCAGTAGAGG[A>G]AAAAGGGGTGGTGCCGTGCCTGTCTCTTAATGAAGTCCAGGGCTTCCTATGGAGAGAGCC-3'
Protein context (NP_000503.1, residues 217-237): IKRQARHHPF[Phe227Ser]LYWAVDATHA

ClinVar aggregate classification (germline): Uncertain significance (1 of 4 stars; one submission).

Submission:

Women's Health and Genetics/Laboratory Corporation of America, LabCorp
Classification: Uncertain significance. Last evaluated: 2025-01-02. Review status: criteria provided, single submitter. Criteria: LabCorp Variant Classification Summary - May 2015. Collection method: clinical testing. Allele origin: germline.
Comment: Variant summary: GALNS c.680T>C (p.Phe227Ser) results in a non-conservative amino acid change in the encoded protein sequence. Five of five in-silico tools predict a damaging effect of the variant on protein function. The variant was absent in 251334 control chromosomes (gnomAD). c.680T>C has been reported in the literature in one homozygous individual affected with Mucopolysaccharidosis Type IVA (Morquio Syndrome A) (Ghaffari_2022). These data indicate that the variant may be associated with disease. To our knowledge, no experimental evidence demonstrating an impact on protein function has been reported. The following publication have been ascertained in the context of this evaluation (PMID: 35005816). No submitters have cited clinical-significance assessments for this variant to ClinVar. Based on the evidence outlined above, the variant was classified as VUS-possibly pathogenic.

Literature cited by the submitters: PubMed 35005816.